The following is an entry in ClinVar:

NM_000095.3(COMP):c.653C>T (p.Ala218Val)

Gene: COMP (cartilage oligomeric matrix protein; minus strand). Cytogenetic location: 19p13.11.
Variant type: single nucleotide variant.
Coding change: c.653C>T on transcript NM_000095.3 (MANE Select); coding-DNA position 653, C replaced by T.
Protein change: p.Ala218Val; replaces alanine 218 with valine.
Molecular consequence: missense variant.
Genome position (GRCh38, 1-based): chr19:18,788,701, G>A on the plus strand (C>T on the coding strand, the complement: COMP is on the minus strand). VCF-style: chr19-18788701-G-A. GRCh37 (hg19) VCF-style: chr19-18899510-G-A.
Other names: short protein forms A218V.
Identifiers: ClinVar variation 3698975 (VCV003698975.2).
Genomic context (GRCh38, chr19:18,788,701, plus strand): 5'-TGGCACTCGCTGGGCGAGCCGTCGGGGCAGAAGCGCTGTGCGCGCCGCTGGCAGCCGGAC[G>A]CCTGGTCGCCCACGAAGCCGGGCTGGCACGGGCCGCACTGGAAGGAGCCCTGCGCCGGAG-3'
Protein context (NP_000086.2, residues 208-228): PCQPGFVGDQ[Ala218Val]SGCQRRAQRF

ClinVar aggregate classification (germline): Uncertain significance (1 of 4 stars; one submission).

gnomAD v4.1: 6 of 1,541,050 alleles (0.00039%); highest among the groups gnomAD compares: East Asian, 0.0025%; no homozygotes.

Submission:

Labcorp Genetics (formerly Invitae), Labcorp
Classification: Uncertain significance. Last evaluated: 2024-11-15. Review status: criteria provided, single submitter. Criteria: Invitae Variant Classification Sherloc (09022015). Collection method: clinical testing. Allele origin: germline.
Comment: This sequence change replaces alanine, which is neutral and non-polar, with valine, which is neutral and non-polar, at codon 218 of the COMP protein (p.Ala218Val). This variant is present in population databases (no rsID available, gnomAD 0.01%). This variant has not been reported in the literature in individuals affected with COMP-related conditions. An algorithm developed to predict the effect of missense changes on protein structure and function outputs the following: PolyPhen-2: "Benign". The valine amino acid residue is found in multiple mammalian species, which suggests that this missense change does not adversely affect protein function. In summary, the available evidence is currently insufficient to determine the role of this variant in disease. Therefore, it has been classified as a Variant of Uncertain Significance.